The following is an entry in ClinVar:

ClinVar aggregate classification (germline): Uncertain significance. Review status: criteria provided, multiple submitters, no conflicts (2 of 4 stars). 3 submissions from 3 submitters: Uncertain significance (3). Last evaluated 2021-07-22.

Conditions:
Cardiovascular phenotype. Identifiers: MedGen CN230736.
Cardiac arrhythmia, ankyrin-B-related. Also called: ANKYRIN-B SYNDROME. Identifiers: Orphanet 101016, Orphanet 768, MedGen C1970119, MONDO:0010958, OMIM 600919.

Allele frequency attached by ClinVar (database versions not stated): TOPMed 0.00001; gnomAD 0.00001.
gnomAD v4.1: 11 of 1,613,914 alleles (0.00068%); highest among the groups gnomAD compares: East Asian, 0.0067%; no homozygotes.

Submissions (3):

Fulgent Genetics
Classification: Uncertain significance for Cardiac arrhythmia, ankyrin-B-related. Last evaluated: 2021-07-22. Review status: criteria provided, single submitter. Criteria: ACMG Guidelines, 2015. Collection method: clinical testing. Allele origin: unknown.

Stanford Center for Inherited Cardiovascular Disease, Stanford University
Classification: Uncertain significance. Last evaluated: 2013-11-13. Review status: criteria provided, single submitter. Criteria: ACMG Guidelines, 2015. Collection method: provider interpretation. Allele origin: germline.

Ambry Genetics
Classification: Uncertain significance for Cardiovascular phenotype. Last evaluated: 2013-04-04. Review status: criteria provided, single submitter. Criteria: Ambry Autosomal Dominant and X-Linked criteria (10/2015). Collection method: clinical testing. Allele origin: germline. Observed: 1 variant allele.
Comment: There is insufficient or conflicting evidence for classification of this alteration.

NM_001148.6(ANK2):c.9427C>G (p.Leu3143Val)

Gene: ANK2 (ankyrin 2; plus strand). Cytogenetic location: 4q26.
Variant type: single nucleotide variant.
Coding change: c.9427C>G on transcript NM_001148.6 (MANE Select); coding-DNA position 9427, C replaced by G.
Protein change: p.Leu3143Val; replaces leucine 3143 with valine.
Molecular consequence: missense variant. On other transcripts: intron variant (68).
Genome position (GRCh38, 1-based): chr4:113,358,045, C>G. VCF-style: chr4-113358045-C-G. GRCh37 (hg19) VCF-style: chr4-114279201-C-G.
Other names: c.9193C>G, p.Leu3065Val (NM_001386142.1); c.5827C>G, p.Leu1943Val (NM_001386166.1); c.9568C>G, p.Leu3190Val (NM_001386174.1); c.9544C>G, p.Leu3182Val (NM_001386175.1); c.4412-2778C>G (NM_001386186.2, NM_001386148.2); c.4214-2778C>G (NM_001354269.3); c.4292-2778C>G (NM_001386187.2); c.4253-2778C>G (NM_001386147.1); and 35 more; short protein forms L3143V, L1943V, L3065V, L3182V, L3190V.
Identifiers: ClinVar variation 234980 (VCV000234980.5), dbSNP rs776074680, ClinGen allele CA3051917.